The following is an entry in ClinVar:

ClinVar aggregate classification (germline): Conflicting classifications of pathogenicity. Review status: criteria provided, conflicting classifications (1 of 4 stars). 27 submissions from 27 submitters: Uncertain significance (3); Benign (10); Likely benign (9). 5 of the submissions do not count toward it. Last evaluated 2026-09-08.

Conditions:
Hereditary cancer-predisposing syndrome. Also called: Neoplastic Syndromes, Hereditary; Hereditary Cancer Syndrome; Tumor predisposition; Hereditary neoplastic syndrome. Identifiers: Orphanet 140162, MedGen C0027672, MeSH D009386, MONDO:0015356.
Hereditary breast ovarian cancer syndrome. Also called: Hereditary breast and ovarian cancer syndrome; Breast and ovarian cancer; BRCA1- and BRCA2-Associated Hereditary Breast and Ovarian Cancer; Hereditary breast and ovarian cancer; Hereditary breast and ovarian cancer syndrome (HBOC); Hereditary breast and/or ovarian cancer syndrome. Identifiers: Orphanet 145, MedGen C0677776, MeSH D061325, MONDO:0003582. Disease mechanism: loss of function.
Familial cancer of breast. Also called: hereditary breast carcinoma; BREAST CANCER, FAMILIAL; Hereditary breast cancer. Identifiers: Orphanet 227535, MedGen C0346153, MONDO:0016419, OMIM 114480. Disease mechanism: loss of function.
Ataxia-telangiectasia syndrome (AT). Also called: LOUIS-BAR SYNDROME; Cerebello-oculocutaneous telangiectasia; Immunodeficiency with ataxia telangiectasia; Ataxia-telangiectasia, complementation group E; Ataxia telangiectasia (A-T); Ataxia-telangiectasia, complementation group D. Identifiers: Orphanet 100, MedGen C0004135, MONDO:0008840, OMIM 208900.
Malignant tumor of breast. Also called: Malignant breast neoplasm; Cancer breast. Identifiers: MedGen C0006142, MONDO:0007254. Disease mechanism: loss of function.

Allele frequency attached by ClinVar (database versions not stated): 1000 Genomes Project 0.00040; 1000 Genomes Project 30x 0.00047; gnomAD 0.00098 and 0.00103; ESP Exome Variant Server 0.00115; TOPMed 0.00125; ExAC 0.00138; gnomAD exomes 0.00155.
gnomAD v4.1: 1,447 of 1,613,668 alleles (0.09%); highest among the groups gnomAD compares: Middle Eastern, 0.28%; 11 homozygotes.

Submissions 1 to 17 of 27:

German Consortium for Hereditary Breast and Ovarian Cancer, University Hospital Cologne
Classification: Likely benign for Hereditary breast ovarian cancer syndrome. Last evaluated: 2026-09-08. Review status: criteria provided, single submitter. Criteria: ClinGen ATM V1.5.0. Collection method: curation. Allele origin: germline.
Comment: This classification follows the ClinGen ACMG ATM v1.5.0 classification scheme; We chose these criteria: PP3 (supporting pathogenic): REVEL 0,758, BS1 (strong benign): gnomAD v4.1.1 Grpmax Filtering AF = 0.001748 (= 0.17%, thus > 0.5%), BS3 (supporting benign): Lee (2025, PMID: 40580951): Functional

CeGaT Center for Human Genetics Tuebingen
Classification: Likely benign. Last evaluated: 2026-08-01. Review status: criteria provided, single submitter. Criteria: CeGaT Center For Human Genetics Tuebingen Variant Classification Criteria Version 2. Collection method: clinical testing. Allele origin: germline. Affected: yes. Observed: 13 variant alleles.
Comment: ATM: BS2

Labcorp Genetics (formerly Invitae), Labcorp
Classification: Benign for Ataxia-telangiectasia syndrome. Last evaluated: 2026-02-03. Review status: criteria provided, single submitter. Criteria: Invitae Variant Classification Sherloc (09022015). Collection method: clinical testing. Allele origin: germline.

Laboratorio de I+D, Fundación Centro Médico de Asturias
Classification: Benign for Hereditary cancer-predisposing syndrome. Last evaluated: 2025-07-08. Review status: criteria provided, single submitter. Criteria: ACMG Guidelines, 2015. Collection method: clinical testing. Allele origin: germline.
Comment: BS1+BS2+BP1+PP3

ARUP Laboratories, Molecular Genetics and Genomics, ARUP Laboratories
Classification: Likely benign. Last evaluated: 2025-06-02. Review status: criteria provided, single submitter. Criteria: ARUP Molecular Germline Variant Investigation Process 2024. Collection method: clinical testing. Allele origin: germline.

Center for Genomic Medicine, Rigshospitalet, Copenhagen University Hospital
Classification: Likely benign. Last evaluated: 2025-03-04. Review status: criteria provided, single submitter. Criteria: ACMG Guidelines, 2015. Collection method: clinical testing. Allele origin: germline.

Molecular Diagnostics Laboratory, Catalan Institute of Oncology
Classification: Likely benign for Hereditary cancer-predisposing syndrome. Last evaluated: 2025-02-03. Review status: criteria provided, single submitter. Criteria: ClinGen ACMG Specifications ATM V1.1.0. Collection method: clinical testing. Allele origin: germline.
Comment: PP3, BS1, BP2 c.4388T>G, located in exon 29 of the ATM gene, is predicted to result in the substitution of phenylalanine by cysteine at codon 1463, p.(Phe1463Cys). The variant allele was found in 387/268084 alleles at a frequency of 0.1444% (gnomAD v2.1.1, non-cancer dataset), with a highest filter allele frequency of 0.13% at 95% confidence within the Latino population (BS1). Moreover, it was also present in 6 homozygotes in the Ashkenazi Jewish subpopultaion (BP2). The SpliceAI algorithm predicts no significant impact on splicing and the REVEL meta-predictor score for this variant (0.758) suggests a deleterious effect on protein function (PP3). To our knowledge, neither relevant clinical data nor well-stablished functional studies have been reported for this variant. It has been reported in the ClinVar database (9x benign, 9x likely benign, 4x uncertain significance) and in the LOVD database (2x benign, 4x likely benign, 3x uncertain significance). Based on the currently available information, c.4388T>G is classified as a likely benign variant according to ClinGen-ATM Guidelines version v1.1.

Myriad Genetics, Inc.
Classification: Likely benign for Familial cancer of breast. Last evaluated: 2024-05-17. Review status: criteria provided, single submitter. Criteria: Myriad Autosomal Dominant, Autosomal Recessive and X-Linked Classification Criteria (2023). Collection method: clinical testing. Allele origin: unknown.
Comment: This variant is considered likely benign. This variant is strongly associated with less severe personal and family histories of cancer, typical for individuals without pathogenic variants in this gene [PMID: 25085752].

Mayo Clinic Laboratories, Mayo Clinic
Classification: Benign. Last evaluated: 2022-07-15. Review status: criteria provided, single submitter. Criteria: ACMG Guidelines, 2015. Collection method: clinical testing. Allele origin: germline. Observed: 7 variant alleles.

Quest Diagnostics Nichols Institute San Juan Capistrano
Classification: Benign. Last evaluated: 2022-02-16. Review status: criteria provided, single submitter. Criteria: Quest Diagnostics criteria. Collection method: clinical testing. Allele origin: unknown.

Sema4
Classification: Benign for Hereditary cancer-predisposing syndrome. Last evaluated: 2020-06-10. Review status: criteria provided, single submitter. Criteria: Sema4 Curation Guidelines. Collection method: curation. Allele origin: germline.

Genetic Services Laboratory, University of Chicago
Classification: Likely benign. Last evaluated: 2019-11-26. Review status: criteria provided, single submitter. Criteria: ACMG Guidelines, 2015. Collection method: clinical testing. Allele origin: germline. Affected: no.

Mendelics
Classification: Likely benign for Ataxia-telangiectasia syndrome. Last evaluated: 2018-07-02. Review status: criteria provided, single submitter. Criteria: Mendelics Assertion Criteria 2017. Collection method: clinical testing. Allele origin: unknown.

Athena Diagnostics
Classification: Benign. Last evaluated: 2017-11-22. Review status: criteria provided, single submitter. Criteria: Athena Diagnostics Criteria. Collection method: clinical testing. Allele origin: germline.

PreventionGenetics, part of Exact Sciences
Classification: Benign. Last evaluated: 2017-05-30. Review status: criteria provided, single submitter. Criteria: ACMG Guidelines, 2015. Collection method: clinical testing. Allele origin: germline.

GeneDx
Classification: Benign. Last evaluated: 2017-05-26. Review status: criteria provided, single submitter. Criteria: GeneDx Variant Classification (06012015). Collection method: clinical testing. Allele origin: germline. Affected: yes.
Comment: This variant is considered likely benign or benign based on one or more of the following criteria: it is a conservative change, it occurs at a poorly conserved position in the protein, it is predicted to be benign by multiple in silico algorithms, and/or has population frequency not consistent with disease.

Illumina Laboratory Services, Illumina
Classification: Uncertain significance for Ataxia-telangiectasia syndrome. Last evaluated: 2017-04-27. Review status: criteria provided, single submitter. Criteria: ICSL Variant Classification Criteria 13 December 2019. Collection method: clinical testing. Allele origin: germline.
Comment: This variant was observed as part of a predisposition screen in an ostensibly healthy population. A literature search was performed for the gene, cDNA change, and amino acid change (where applicable). Publications were found based on this search. However, the evidence from the literature, in combination with allele frequency data from public databases where available, was not sufficient to rule this variant in or out of causing disease. Therefore, this variant is classified as a variant of unknown significance.

NM_000051.4(ATM):c.4388T>G (p.Phe1463Cys)

Gene: ATM (ATM serine/threonine kinase; plus strand). Cytogenetic location: 11q22.3.
Variant type: single nucleotide variant.
Coding change: c.4388T>G on transcript NM_000051.4 (MANE Select); coding-DNA position 4388, T replaced by G.
Protein change: p.Phe1463Cys; replaces phenylalanine 1463 with cysteine.
Molecular consequence: missense variant.
Genome position (GRCh38, 1-based): chr11:108,289,753, T>G. VCF-style: chr11-108289753-T-G. GRCh37 (hg19) VCF-style: chr11-108160480-T-G.
Other names: p.F1463C:TTT>TGT; c.4388T>G, p.Phe1463Cys (NM_001351834.2); short protein forms F1463C.
Identifiers: ClinVar variation 127388 (VCV000127388.90), dbSNP rs138327406, ClinGen allele CA151463.
Genomic context (GRCh38, chr11:108,289,753, plus strand): 5'-ACCTGTTTGTTAGTTTATTACTGAAAGATATAAAAAGTGGCTTAGGAGGAGCTTGGGCCT[T>G]TGTTCTTCGAGACGTTATTTATACTTTGATTCACTATATCAACCAAAGGTAAATAACATA-3'
Protein context (NP_000042.3, residues 1453-1473): IKSGLGGAWA[Phe1463Cys]VLRDVIYTLI